The following is an entry in ClinVar:

NM_130797.4(DPP6):c.167GCG[5] (p.Gly61_Gly62del)

Gene: DPP6 (dipeptidyl peptidase like 6; plus strand). Cytogenetic location: 7q36.2.
Variant type: Microsatellite.
Coding change: c.167GCG[5] on transcript NM_130797.4 (MANE Select); five copies in a row of the 3-base unit GCG starting at c.167; the reference has seven copies in a row; two copies, 6 bases deleted.
Protein change: p.Gly61_Gly62del.
Molecular consequence: inframe deletion. On other transcripts: intron variant (6).
Genome position (GRCh38, 1-based): chr7:154,053,002-154,053,007, GCGGCG deleted; deleting any 6 consecutive bases within chr7:154,052,987-154,053,007 gives the same sequence; the position shown is the placement nearest the transcript's 3' end. VCF-style (leftmost placement, unchanged base first): chr7-154052986-CGCGGCG-C. GRCh37 (hg19) VCF-style: chr7-153750071-CGCGGCG-C.
Other names: c.167GCG[5], p.Gly61_Gly62del (NM_001290253.2); c.60+303979GCG[5] (NM_001364500.2, NM_001364499.2, NM_001364497.2 and 1 more transcripts); c.51+165253GCG[5] (NM_001364501.2, NM_001039350.3).
Identifiers: ClinVar variation 3257669 (VCV003257669.18).
Genomic context (GRCh38, chr7:154,052,986, plus strand): 5'-GACGGCGGCGCAGGAGCCAAGCCCCTCGGCCCGCGGGCGCAGGCGGCGGCGCCCCGGGAG[CGCGGCG>C]GCGGCGGCGGCGGCGCGGGTGGCCGGCCCCGGTTCCAGTACCAGGCGCGGAGCGATGGTG-3'

ClinVar aggregate classification (germline): Likely benign. Review status: criteria provided, multiple submitters, no conflicts (2 of 4 stars). 2 submissions from 2 submitters: Likely benign (2). Last evaluated 2025-02-16.

Submissions (2):

Laboratory of Genetics, Children's Clinical University Hospital Latvia
Classification: Likely benign. Last evaluated: 2025-02-16. Review status: criteria provided, single submitter. Criteria: ACMG Guidelines, 2015. Collection method: clinical testing. Allele origin: germline. Affected: yes.

CeGaT Center for Human Genetics Tuebingen
Classification: Likely benign. Last evaluated: 2024-07-01. Review status: criteria provided, single submitter. Criteria: CeGaT Center For Human Genetics Tuebingen Variant Classification Criteria Version 2. Collection method: clinical testing. Allele origin: germline. Affected: yes. Observed: 1 variant allele.
Comment: DPP6: BP3, BS1